The following is an entry in ClinVar:

NM_003000.3(SDHB):c.715T>C (p.Ser239Pro)

Gene: SDHB (succinate dehydrogenase complex iron sulfur subunit B; minus strand). Cytogenetic location: 1p36.13.
Variant type: single nucleotide variant.
Coding change: c.715T>C on transcript NM_003000.3 (MANE Select); coding-DNA position 715, T replaced by C.
Protein change: p.Ser239Pro; replaces serine 239 with proline.
Molecular consequence: missense variant.
Genome position (GRCh38, 1-based): chr1:17,022,658, A>G on the plus strand (T>C on the coding strand, the complement: SDHB is on the minus strand). VCF-style: chr1-17022658-A-G. GRCh37 (hg19) VCF-style: chr1-17349153-A-G.
Other names: short protein forms S239P.
Identifiers: ClinVar variation 1379951 (VCV001379951.6), dbSNP rs2101513765, ClinGen allele CA338270249.

ClinVar aggregate classification (germline): Uncertain significance (1 of 4 stars; one submission).

Conditions:
Pheochromocytoma. Also called: MAX-Related Hereditary Paraganglioma-Pheochromocytoma Syndrome. Identifiers: Orphanet 29072, MedGen C0031511, MONDO:0008233, OMIM 171300, HP:0002666.
Pheochromocytoma/paraganglioma syndrome 4. Also called: CAROTID BODY TUMORS AND MULTIPLE EXTRAADRENAL PHEOCHROMOCYTOMAS; PARAGANGLIOMA, FAMILIAL MALIGNANT; PARAGANGLIOMAS, HEREDITARY EXTRAADRENAL; PHEOCHROMOCYTOMA, FAMILIAL EXTRAADRENAL; Paragangliomas 4; SDHB-Related Hereditary Paraganglioma-Pheochromocytoma Syndrome (Paragangliomas 4). Identifiers: Orphanet 29072, MedGen C1861848, MONDO:0007273, OMIM 115310.
Gastrointestinal stromal tumor. Also called: Gastrointestinal stroma tumor; Gastrointestinal stromal tumor, somatic. Identifiers: Orphanet 44890, MedGen C0238198, MeSH D046152, MONDO:0011719, OMIM 606764, HP:0100723.

Submission:

Labcorp Genetics (formerly Invitae), Labcorp
Classification: Uncertain significance for Gastrointestinal stromal tumor; Pheochromocytoma/paraganglioma syndrome 4; Pheochromocytoma. Last evaluated: 2023-06-29. Review status: criteria provided, single submitter. Criteria: Invitae Variant Classification Sherloc (09022015). Collection method: clinical testing. Allele origin: germline.
Comment: This variant has not been reported in the literature in individuals affected with SDHB-related conditions. In summary, the available evidence is currently insufficient to determine the role of this variant in disease. Therefore, it has been classified as a Variant of Uncertain Significance. Advanced modeling of protein sequence and biophysical properties (such as structural, functional, and spatial information, amino acid conservation, physicochemical variation, residue mobility, and thermodynamic stability) performed at Invitae indicates that this missense variant is expected to disrupt SDHB protein function. ClinVar contains an entry for this variant (Variation ID: 1379951). This variant is not present in population databases (gnomAD no frequency). This sequence change replaces serine, which is neutral and polar, with proline, which is neutral and non-polar, at codon 239 of the SDHB protein (p.Ser239Pro).